The following is an entry in ClinVar:

ClinVar aggregate classification (germline): Pathogenic. Review status: reviewed by expert panel (3 of 4 stars). 4 submissions from 4 submitters: Pathogenic (1). 3 of the submissions do not count toward it. Last evaluated 2026-01-23.

Conditions:
Autosomal recessive limb-girdle muscular dystrophy. Identifiers: Orphanet 102015, MedGen C2931907, MONDO:0015152.
Neuromuscular disease caused by qualitative or quantitative defects of dysferlin. Also called: Dysferlinopathy; Qualitative or quantitative defects of dysferlin. Identifiers: Orphanet 207073, MedGen C2931687, MONDO:0016145.

Submissions (4):

ClinGen Limb Girdle Muscular Dystrophy Variant Curation Expert Panel, ClinGen
Classification: Pathogenic for Autosomal recessive limb-girdle muscular dystrophy. Last evaluated: 2026-01-23. Review status: reviewed by expert panel. Criteria: ClinGen LGMD VCEP ACMG Specifications DYSF V2.0.0. Collection method: curation. Allele origin: germline. Inheritance: Autosomal recessive inheritance.
Comment: The NM_003494.4: c.3116G>T variant in DYSF, which is also known as NM_001130987.2: c.3170G>T p.(Arg1057Leu), is a missense variant predicted to cause substitution of arginine to leucine at amino acid 1039, p.(Arg1039Leu). This variant has been observed in at least two siblings with Miyoshi myopathy with a second pathogenic variant in unknown phase (NM_003494.4: c.5302C>T p.(Arg1768Trp), 0.5 pts, PMID: 17070050; PM3_Supporting). These individuals also had absent dysferlin expression in muscle, which is highly specific for DYSF-related LGMD (PP4_Strong). This variant is absent from gnomAD v4.1.0 (PM2_Supporting). Immunofluorescence and 2-A assays of dysferlin membrane localization in HEK293T cells showed the Arg1039Leu protein did not reach the cell membrane, indicating an impact on protein function (PMID: 35028538) (PS3_Moderate). The computational predictor REVEL gives a score of 0.93, which is above the LGMD VCEP threshold of ≥0.70 (PP3). In addition, another missense variant at the same codon, c.3115C>T p.(Arg1039Trp), has been classified as likely pathogenic by the ClinGen LGMD VCEP (PM5_Supporting). In summary, this variant is classified as Pathogenic for autosomal recessive limb girdle muscular dystrophy based on the ACMG/AMP criteria applied, as specified by the ClinGen LGMD VCEP (LGMD VCEP specifications version 2.0.0; 01/23/2026): PP4_Strong, PS3_Moderate, PM2_Supporting, PM5_Supporting, PM3_Supporting, PP3.

Labcorp Genetics (formerly Invitae), Labcorp
Classification: Pathogenic for Neuromuscular disease caused by qualitative or quantitative defects of dysferlin. Last evaluated: 2025-06-16. Review status: criteria provided, single submitter. Criteria: Invitae Variant Classification Sherloc (09022015). Collection method: clinical testing. Allele origin: germline. Not counted in ClinVar's aggregate classification.
Comment: This sequence change replaces arginine, which is basic and polar, with leucine, which is neutral and non-polar, at codon 1039 of the DYSF protein (p.Arg1039Leu). This variant is not present in population databases (gnomAD no frequency). This missense change has been observed in individual(s) with Miyoshi myopathy (PMID: 17070050). ClinVar contains an entry for this variant (Variation ID: 2441144). Invitae Evidence Modeling of protein sequence and biophysical properties (such as structural, functional, and spatial information, amino acid conservation, physicochemical variation, residue mobility, and thermodynamic stability) indicates that this missense variant is expected to disrupt DYSF protein function with a positive predictive value of 95%. This variant disrupts the p.Arg1039 amino acid residue in DYSF. Other variant(s) that disrupt this residue have been determined to be pathogenic (PMID: 27647186, 31268554). This suggests that this residue is clinically significant, and that variants that disrupt this residue are likely to be disease-causing. For these reasons, this variant has been classified as Pathogenic.

Women's Health and Genetics/Laboratory Corporation of America, LabCorp
Classification: Uncertain significance. Last evaluated: 2025-01-21. Review status: criteria provided, single submitter. Criteria: LabCorp Variant Classification Summary - May 2015. Collection method: clinical testing. Allele origin: germline. Not counted in ClinVar's aggregate classification.
Comment: Variant summary: DYSF c.3116G>T (p.Arg1039Leu) results in a non-conservative amino acid change located in the Dysferlin domain, C-terminal region (IPR006614) of the encoded protein sequence. Five of five in-silico tools predict a damaging effect of the variant on protein function. The variant was absent in 250604 control chromosomes. c.3116G>T has been reported in the literature in three individuals affected with Miyoshi myopathy and late-onset dysferlinopathy (De Luna_2006, Fernandez-Eulate_2021). These data indicate that the variant may be associated with disease. To our knowledge, no experimental evidence demonstrating an impact on protein function has been reported. The following publications have been ascertained in the context of this evaluation (PMID: 17070050, 33715265). ClinVar contains an entry for this variant (Variation ID: 2441144). Based on the evidence outlined above, the variant was classified as VUS-possibly pathogenic.

Revvity Omics, Revvity
Classification: Uncertain significance. Last evaluated: 2020-03-18. Review status: criteria provided, single submitter. Criteria: ACMG Guidelines, 2015. Collection method: clinical testing. Allele origin: germline. Not counted in ClinVar's aggregate classification.

Literature cited by the submitters: PubMed 17070050 (cited by Labcorp Genetics (formerly Invitae), Labcorp and Women's Health and Genetics/Laboratory Corporation of America, LabCorp); PubMed 27647186 (cited by Labcorp Genetics (formerly Invitae), Labcorp); PubMed 31268554 (cited by Labcorp Genetics (formerly Invitae), Labcorp); PubMed 33715265 (cited by Women's Health and Genetics/Laboratory Corporation of America, LabCorp).

NM_001130987.2(DYSF):c.3170G>T (p.Arg1057Leu)

Gene: DYSF (dysferlin; plus strand). Cytogenetic location: 2p13.2.
Variant type: single nucleotide variant.
Coding change: c.3170G>T on transcript NM_001130987.2 (MANE Select); coding-DNA position 3170, G replaced by T.
Protein change: p.Arg1057Leu; replaces arginine 1057 with leucine.
Molecular consequence: missense variant.
Genome position (GRCh38, 1-based): chr2:71,570,683, G>T. VCF-style: chr2-71570683-G-T. GRCh37 (hg19) VCF-style: chr2-71797813-G-T.
Other names: NM_001130987.2(DYSF):c.3170G>T; p.Arg1057Leu; c.3119G>T, p.Arg1040Leu (NM_001130455.2, NM_001130983.2); c.3074G>T, p.Arg1025Leu (NM_001130976.2, NM_001130977.2); c.3116G>T, p.Arg1039Leu (NM_001130978.2, NM_003494.4); c.3209G>T, p.Arg1070Leu (NM_001130979.2); c.3167G>T, p.Arg1056Leu (NM_001130980.2, NM_001130981.2); c.3212G>T, p.Arg1071Leu (NM_001130982.2); and 2 more; short protein forms R1025L, R1026L, R1039L, R1040L, R1056L, R1057L, R1070L, R1071L.
Identifiers: ClinVar variation 2441144 (VCV002441144.7), dbSNP rs149617331, ClinGen allele CA347217062.
Genomic context (GRCh38, chr2:71,570,683, plus strand): 5'-CCCCGGAGCGGAAGCCGAAGCACTGGGTCCCTGCTGAGAAGATGTACTACACACACCGAC[G>T]GCGGCGCTGGGTGCGCCTGCGCAGGAGGGATCTCAGCCAAATGGAAGCACTGAAAAGGGT-3'
Protein context (NP_001124459.1, residues 1047-1067): PAEKMYYTHR[Arg1057Leu]RRWVRLRRRD